The following is an entry in ClinVar:

ClinVar aggregate classification (germline): Benign/Likely benign. Review status: criteria provided, multiple submitters, no conflicts (2 of 4 stars). 2 submissions from 2 submitters: Benign (1); Likely benign (1). Last evaluated 2025-12-18.

Conditions:
Hereditary leiomyomatosis and renal cell cancer. Also called: Familial leiomyomatosis; Reed syndrome; Multiple cutaneous and uterine leiomyomatosis; Cutaneous leiomyomata with uterine leiomyomata; Leiomyoma, hereditary multiple, of skin; Multiple cutaneous and uterine leiomyomata. Identifiers: Orphanet 523, MedGen C1708350, MONDO:0007888, OMIM 150800, HP:0007437. Disease mechanism: loss of function.

Allele frequency attached by ClinVar (database versions not stated): TOPMed below 0.00001; ExAC 0.00001; gnomAD 0.00001; gnomAD exomes 0.00001 and 0.00002.
gnomAD v4.1: 4 of 1,613,998 alleles (0.00025%); highest among the groups gnomAD compares: East Asian, 0.0067%; no homozygotes.

Submissions (2):

Labcorp Genetics (formerly Invitae), Labcorp
Classification: Likely benign. Last evaluated: 2025-12-18. Review status: criteria provided, single submitter. Criteria: Invitae Variant Classification Sherloc (09022015). Collection method: clinical testing. Allele origin: germline.

Myriad Genetics, Inc.
Classification: Benign for Hereditary leiomyomatosis and renal cell cancer. Last evaluated: 2024-09-11. Review status: criteria provided, single submitter. Criteria: Myriad Autosomal Dominant, Autosomal Recessive and X-Linked Classification Criteria (2023). Collection method: clinical testing. Allele origin: unknown.
Comment: This variant is considered benign. This variant is intronic and is not expected to impact mRNA splicing. This variant has been observed at a population frequency that is significantly greater than expected given the associated disease prevalence and penetrance.

NM_000143.4(FH):c.267+8G>A

Gene: FH (fumarate hydratase; minus strand). Cytogenetic location: 1q43.
Variant type: single nucleotide variant.
Coding change: c.267+8G>A on transcript NM_000143.4 (MANE Select); 8 bases into the intron after coding-DNA position 267, G replaced by A.
Molecular consequence: intron variant.
Genome position (GRCh38, 1-based): chr1:241,517,174, C>T on the plus strand (G>A on the coding strand, the complement: FH is on the minus strand). VCF-style: chr1-241517174-C-T. GRCh37 (hg19) VCF-style: chr1-241680474-C-T.
Identifiers: ClinVar variation 743412 (VCV000743412.12), dbSNP rs750447887, ClinGen allele CA1478735.